The following is an entry in ClinVar:

NM_015512.5(DNAH1):c.1436C>G (p.Pro479Arg)

Gene: DNAH1 (dynein axonemal heavy chain 1; plus strand). Cytogenetic location: 3p21.1.
Variant type: single nucleotide variant.
Coding change: c.1436C>G on transcript NM_015512.5 (MANE Select); coding-DNA position 1436, C replaced by G.
Protein change: p.Pro479Arg; replaces proline 479 with arginine.
Molecular consequence: missense variant.
Genome position (GRCh38, 1-based): chr3:52,344,639, C>G. VCF-style: chr3-52344639-C-G. GRCh37 (hg19) VCF-style: chr3-52378655-C-G.
Other names: short protein forms P479R.
Identifiers: ClinVar variation 3753288 (VCV003753288.2).

ClinVar aggregate classification (germline): Uncertain significance (1 of 4 stars; one submission).

Conditions:
Spermatogenic failure 18. Identifiers: MedGen C4539783, MONDO:0054615, OMIM 617576.
Ciliary dyskinesia, primary, 37 (CILD37). Also called: CILIARY DYSKINESIA, PRIMARY, 37, WITH OR WITHOUT SITUS INVERSUS. Identifiers: MedGen C4539798, MONDO:0033204, OMIM 617577.

gnomAD v4.1: 3 of 1,612,918 alleles (0.00019%); highest among the groups gnomAD compares: Admixed American, 0.0017%; no homozygotes.

Submission:

Labcorp Genetics (formerly Invitae), Labcorp
Classification: Uncertain significance for Ciliary dyskinesia, primary, 37; Spermatogenic failure 18. Last evaluated: 2024-09-15. Review status: criteria provided, single submitter. Criteria: Invitae Variant Classification Sherloc (09022015). Collection method: clinical testing. Allele origin: germline.
Comment: This sequence change replaces proline, which is neutral and non-polar, with arginine, which is basic and polar, at codon 479 of the DNAH1 protein (p.Pro479Arg). This variant is present in population databases (rs746620362, gnomAD 0.0009%). This variant has not been reported in the literature in individuals affected with DNAH1-related conditions. An algorithm developed to predict the effect of missense changes on protein structure and function (PolyPhen-2) suggests that this variant is likely to be tolerated. Algorithms developed to predict the effect of sequence changes on RNA splicing suggest that this variant may disrupt the consensus splice site. In summary, the available evidence is currently insufficient to determine the role of this variant in disease. Therefore, it has been classified as a Variant of Uncertain Significance.